The following is an entry in ClinVar:

NM_001386135.1(AFF3):c.697G>A (p.Ala233Thr)

Gene: AFF3 (ALF transcription elongation factor 3; minus strand). Cytogenetic location: 2q11.2.
Variant type: single nucleotide variant.
Coding change: c.697G>A on transcript NM_001386135.1 (MANE Select); coding-DNA position 697, G replaced by A.
Protein change: p.Ala233Thr; replaces alanine 233 with threonine.
Molecular consequence: missense variant.
Genome position (GRCh38, 1-based): chr2:100,006,808, C>T on the plus strand (G>A on the coding strand, the complement: AFF3 is on the minus strand). VCF-style: chr2-100006808-C-T. GRCh37 (hg19) VCF-style: chr2-100623270-C-T.
Other names: AFF3, ALA258THR (rs1131692272); c.772G>A, p.Ala258Thr (NM_001025108.2); c.697G>A, p.Ala233Thr (NM_002285.3); short protein forms A233T, A258T.
Identifiers: ClinVar variation 430951 (VCV000430951.14), dbSNP rs1131692272, ClinGen allele CA347963763.

ClinVar aggregate classification (germline): Pathogenic. Review status: criteria provided, multiple submitters, no conflicts (2 of 4 stars). 8 submissions from 8 submitters: Pathogenic (7). 1 of the submissions does not count toward it. Last evaluated 2025-12-23.

Conditions:
Inborn genetic diseases. Identifiers: MedGen C0950123, MeSH D030342.
KINSSHIP syndrome. Also called: MESOMELIC DYSPLASIA, STEICHEN-GERSDORF TYPE; MESOMELIC DYSPLASIA, AFF3-RELATED. Identifiers: MedGen C5543317, MONDO:0851095, OMIM 619297.
AFF3-related disorder. Also called: AFF3-related condition.

Submissions (8):

3billion
Classification: Pathogenic for KINSSHIP syndrome. Last evaluated: 2025-12-23. Review status: criteria provided, single submitter. Criteria: ACMG Guidelines, 2015. Collection method: clinical testing. Allele origin: germline. Affected: yes.
Comment: The variant is not observed in the gnomAD v4.1.0 dataset. Predicted Consequence/Location: The variant is located in a mutational hot spot and/or well-established functional domain in which established pathogenic variants have been reported. Missense variant. Missense changes are a common disease-causing mechanism. In silico tool predictions suggest damaging effect of the variant on gene or gene product [REVEL: 0.61 (>=0.6, sensitivity 0.68 and specificity 0.92); 3Cnet: 0.99 (> 0.75, sensitivity 0.96 and precision 0.92)]. The same nucleotide change resulting in the same amino acid change has been previously reported as pathogenic/likely pathogenic with strong evidence (ClinVar ID: VCV000430951 /PMID: 31388108). The variant has been previously reported as de novo in a similarly affected individual (PMID: 31388108). Different missense changes at the same codon (p.Ala233Pro, p.Ala233Ser, p.Ala233Val) have been reported as pathogenic/likely pathogenic with strong evidence (ClinVar ID: VCV001077075, VCV001077076 /PMID: 33961779, 36576140). Therefore, this variant is classified as Pathogenic according to the recommendation of ACMG/AMP guideline.

GeneDx
Classification: Pathogenic. Last evaluated: 2025-08-26. Review status: criteria provided, single submitter. Criteria: GeneDx Variant Classification Process June 2021. Collection method: clinical testing. Allele origin: germline. Affected: yes.
Comment: In silico analysis supports that this missense variant has a deleterious effect on protein structure/function; Not observed at significant frequency in large population cohorts (gnomAD); This variant is associated with the following publications: (PMID: 33057194, 35982159, 31388108, 31785789, 33961779, 33875846, 39587513, 38811945)

Variantyx, Inc.
Classification: Pathogenic for KINSSHIP syndrome. Last evaluated: 2025-08-20. Review status: criteria provided, single submitter. Criteria: Variantyx Assertion Criteria 2022. Collection method: clinical testing. Allele origin: de novo. Inheritance: Autosomal dominant inheritance. Affected: yes.
Comment: This is a nonsynonymous variant in the AFF3 gene (OMIM: 601464). Pathogenic variants in this gene have been associated with autosomal dominant KINSSHIP syndrome. Computational algorithms produce conflicting evidence regarding the predicted functional impact of this variant (REVEL score: 0.608), but an alternate amino acid change at this position (p.Ala233Val) has been previously reported in similarly affected individuals, which suggests that this residue is biologically important (PMID: 33961779) (PM5). This variant is absent from control populations (PM2). Based on the current evidence, this variant is classified as pathogenic for autosomal dominant KINSSHIP syndrome.

Blueprint Genetics
Classification: Pathogenic for AFF3-related disorders. Last evaluated: 2024-09-14. Review status: criteria provided, single submitter. Criteria: ACMG Guidelines, 2015. Collection method: clinical testing. Allele origin: germline. Affected: yes. Observed: 1 variant allele.

Ambry Genetics
Classification: Pathogenic for Inborn genetic diseases. Last evaluated: 2023-06-26. Review status: criteria provided, single submitter. Criteria: Ambry Variant Classification Scheme 2023. Collection method: clinical testing. Allele origin: germline.
Comment: The c.772G>A (p.A258T) alteration is located in exon 6 (coding exon 5) of the AFF3 gene. This alteration results from a G to A substitution at nucleotide position 772, causing the alanine (A) at amino acid position 258 to be replaced by a threonine (T). This variant was not reported in population-based cohorts in the Genome Aggregation Database (gnomAD). This variant has been determined to be the result of a de novo mutation multiple individuals with features consistent with KINSSHIP syndrome (Shimizu, 2019; Voisin, 2021). This amino acid position is highly conserved in available vertebrate species. The in silico prediction for this alteration is inconclusive. Based on the available evidence, this alteration is classified as pathogenic.

Clinical Genetics Laboratory, Skane University Hospital Lund
Classification: Pathogenic. Last evaluated: 2022-05-27. Review status: criteria provided, single submitter. Criteria: ACMG Guidelines, 2015. Collection method: clinical testing. Allele origin: germline. Affected: yes.

HudsonAlpha Institute for Biotechnology
Classification: Pathogenic. Last evaluated: 2016-10-10. Review status: criteria provided, single submitter. Criteria: HA_assertions_20150911. Collection method: research. Allele origin: de novo. Affected: yes. Observed: 1 variant allele. Study: CSER-HudsonAlpha.

OMIM
Classification: Pathogenic for KINSSHIP SYNDROME. Last evaluated: 2021-05-11. Review status: no assertion criteria provided. Collection method: literature only. Allele origin: germline. Not counted in ClinVar's aggregate classification.

Literature cited by the submitters: PubMed 31388108 (cited by 4 submitters); PubMed 33961779 (cited by 4 submitters).